The following is an entry in ClinVar:

ClinVar aggregate classification (germline): Uncertain significance (1 of 4 stars; one submission).

gnomAD v4.1: 1 of 1,530,780 alleles (0.000065%); highest among the groups gnomAD compares: Non-Finnish European, 0.000088%; no homozygotes.

Submission:

Labcorp Genetics (formerly Invitae), Labcorp
Classification: Uncertain significance. Last evaluated: 2026-01-07. Review status: criteria provided, single submitter. Criteria: Invitae Variant Classification Sherloc (09022015). Collection method: clinical testing. Allele origin: germline.
Comment: This sequence change falls in intron 7 of the DNA2 gene. It does not directly change the encoded amino acid sequence of the DNA2 protein. It affects a nucleotide within the consensus splice site. This variant is not present in population databases (gnomAD no frequency). This variant has not been reported in the literature in individuals affected with DNA2-related conditions. Variants that disrupt the consensus splice site are a relatively common cause of aberrant splicing (PMID: 17576681, 9536098). Algorithms developed to predict the effect of sequence changes on RNA splicing suggest that this variant is not likely to affect RNA splicing. In summary, the available evidence is currently insufficient to determine the role of this variant in disease. Therefore, it has been classified as a Variant of Uncertain Significance.

Literature cited by the submitters: PubMed 17576681; PubMed 9536098.

NM_001080449.3(DNA2):c.1057+6G>C

Gene: DNA2 (DNA replication helicase/nuclease 2; minus strand). Cytogenetic location: 10q21.3.
Variant type: single nucleotide variant.
Coding change: c.1057+6G>C on transcript NM_001080449.3 (MANE Select); 6 bases into the intron after coding-DNA position 1057, G replaced by C.
Molecular consequence: intron variant.
Genome position (GRCh38, 1-based): chr10:68,446,290, C>G on the plus strand (G>C on the coding strand, the complement: DNA2 is on the minus strand). VCF-style: chr10-68446290-C-G. GRCh37 (hg19) VCF-style: chr10-70206047-C-G.
Identifiers: ClinVar variation 4773688 (VCV004773688.1).